The following is an entry in ClinVar:

NM_031885.5(BBS2):c.492T>G (p.Asn164Lys)

Gene: BBS2 (Bardet-Biedl syndrome 2; minus strand). Cytogenetic location: 16q13.
Variant type: single nucleotide variant.
Coding change: c.492T>G on transcript NM_031885.5 (MANE Select); coding-DNA position 492, T replaced by G.
Protein change: p.Asn164Lys; replaces asparagine 164 with lysine.
Molecular consequence: missense variant. On other transcripts: non-coding transcript variant (5).
Genome position (GRCh38, 1-based): chr16:56,510,901, A>C on the plus strand (T>G on the coding strand, the complement: BBS2 is on the minus strand). VCF-style: chr16-56510901-A-C. GRCh37 (hg19) VCF-style: chr16-56544813-A-C.
Other names: c.492T>G (NM_031885.3); c.492T>G, p.Asn164Lys (NM_001377456.1); short protein forms N164K.
Identifiers: ClinVar variation 1407732 (VCV001407732.5), dbSNP rs779800067, ClinGen allele CA8066030.
Genomic context (GRCh38, chr16:56,510,901, plus strand): 5'-ATCTCCTCCCCCACATACCTCTTTCTTTCCATCACCATCAAAGTCACACAAGGCCAAGGA[A>C]TTAACATTGTCTCCAGTAACCTGAAAATAAAACCCCAAACCATTAGCATGCCATCGTTTC-3'
Protein context (NP_114091.4, residues 154-174): LFWTVTGDNV[Asn164Lys]SLALCDFDGD

ClinVar aggregate classification (germline): Uncertain significance. Review status: criteria provided, multiple submitters, no conflicts (2 of 4 stars). 3 submissions from 3 submitters: Uncertain significance (3). Last evaluated 2024-02-19.

Conditions:
Bardet-Biedl syndrome (BBS). Identifiers: Orphanet 110, MedGen C0752166, MONDO:0015229.
Inborn genetic diseases. Identifiers: MedGen C0950123, MeSH D030342.
Retinitis pigmentosa 74 (RP74). Identifiers: Orphanet 791, MedGen C4225281, MONDO:0014692, OMIM 616562.
Bardet-Biedl syndrome 2 (BBS2). Identifiers: Orphanet 110, MedGen C2936863, MONDO:0014432, OMIM 615981.

Allele frequency attached by ClinVar (database versions not stated): ExAC 0.00001; gnomAD exomes below 0.00001.
gnomAD v4.1: 3 of 1,614,154 alleles (0.00019%); highest among the groups gnomAD compares: Non-Finnish European, 0.00017%; no homozygotes.

Submissions (3):

Fulgent Genetics
Classification: Uncertain significance for Bardet-Biedl syndrome 2; Retinitis pigmentosa 74. Last evaluated: 2024-02-19. Review status: criteria provided, single submitter. Criteria: ACMG Guidelines, 2015. Collection method: clinical testing. Allele origin: germline.

Ambry Genetics
Classification: Uncertain significance for Inborn genetic diseases. Last evaluated: 2022-11-21. Review status: criteria provided, single submitter. Criteria: Ambry Variant Classification Scheme 2023. Collection method: clinical testing. Allele origin: germline.

Labcorp Genetics (formerly Invitae), Labcorp
Classification: Uncertain significance for Bardet-Biedl syndrome. Last evaluated: 2022-07-25. Review status: criteria provided, single submitter. Criteria: Invitae Variant Classification Sherloc (09022015). Collection method: clinical testing. Allele origin: germline.
Comment: This sequence change replaces asparagine, which is neutral and polar, with lysine, which is basic and polar, at codon 164 of the BBS2 protein (p.Asn164Lys). This variant is not present in population databases (gnomAD no frequency). This variant has not been reported in the literature in individuals affected with BBS2-related conditions. ClinVar contains an entry for this variant (Variation ID: 1407732). Algorithms developed to predict the effect of missense changes on protein structure and function (SIFT, PolyPhen-2, Align-GVGD) all suggest that this variant is likely to be tolerated. In summary, the available evidence is currently insufficient to determine the role of this variant in disease. Therefore, it has been classified as a Variant of Uncertain Significance.